The following is an entry in ClinVar:

NM_014679.5(CEP57):c.11C>T (p.Ala4Val)

Genes: CEP57 (centrosomal protein 57; plus strand), LOC130006618 (ATAC-STARR-seq lymphoblastoid active region 5417; plus strand). Cytogenetic location: 11q21.
Variant type: single nucleotide variant.
Coding change: c.11C>T on transcript NM_014679.5 (MANE Select); coding-DNA position 11, C replaced by T.
Protein change: p.Ala4Val; replaces alanine 4 with valine.
Molecular consequence: missense variant. On other transcripts: 5 prime UTR variant (2).
Genome position (GRCh38, 1-based): chr11:95,790,709, C>T. VCF-style: chr11-95790709-C-T. GRCh37 (hg19) VCF-style: chr11-95523873-C-T.
Other names: c.-61C>T (NM_001243776.2); c.11C>T, p.Ala4Val (NM_001243777.2); c.-384C>T (NM_001363604.2); short protein forms A4V.
Identifiers: ClinVar variation 3831987 (VCV003831987.2).

ClinVar aggregate classification (germline): Uncertain significance. Review status: criteria provided, multiple submitters, no conflicts (2 of 4 stars). 2 submissions from 2 submitters: Uncertain significance (2). Last evaluated 2025-11-12.

Conditions:
Inborn genetic diseases. Identifiers: MedGen C0950123, MeSH D030342.
Mosaic variegated aneuploidy syndrome 2 (MVA2). Identifiers: Orphanet 1052, MedGen C3279843, MONDO:0013582, OMIM 614114.

gnomAD v4.1: 2 of 1,614,068 alleles (0.00012%); highest among the groups gnomAD compares: Admixed American, 0.0017%; no homozygotes.

Submissions (2):

Labcorp Genetics (formerly Invitae), Labcorp
Classification: Uncertain significance for Mosaic variegated aneuploidy syndrome 2. Last evaluated: 2025-11-12. Review status: criteria provided, single submitter. Criteria: Invitae Variant Classification Sherloc (09022015). Collection method: clinical testing. Allele origin: germline.
Comment: This sequence change replaces alanine, which is neutral and non-polar, with valine, which is neutral and non-polar, at codon 4 of the CEP57 protein (p.Ala4Val). This variant is present in population databases (rs563708574, gnomAD 0.003%). This variant has not been reported in the literature in individuals affected with CEP57-related conditions. ClinVar contains an entry for this variant (Variation ID: 3831987). Experimental studies and prediction algorithms are not available or were not evaluated, and the functional significance of this variant is currently unknown. In summary, the available evidence is currently insufficient to determine the role of this variant in disease. Therefore, it has been classified as a Variant of Uncertain Significance.

Ambry Genetics
Classification: Uncertain significance for Inborn genetic diseases. Last evaluated: 2025-02-06. Review status: criteria provided, single submitter. Criteria: Ambry Variant Classification Scheme 2023. Collection method: clinical testing. Allele origin: germline.
Comment: The p.A4V variant (also known as c.11C>T), located in coding exon 1 of the CEP57 gene, results from a C to T substitution at nucleotide position 11. The alanine at codon 4 is replaced by valine, an amino acid with similar properties. This amino acid position is conserved. In addition, this alteration is predicted to be tolerated by in silico analysis. Based on the available evidence, the clinical significance of this variant remains unclear.